The following is an entry in ClinVar:

ClinVar aggregate classification (germline): Pathogenic (1 of 4 stars; one submission).

Conditions:
Familial adenomatous polyposis 2. Also called: FAP type 2; COLORECTAL ADENOMATOUS POLYPOSIS, AUTOSOMAL RECESSIVE; ADENOMAS, MULTIPLE COLORECTAL, AUTOSOMAL RECESSIVE; MYH-associated polyposis; Adenomas, multiple colorectal; MUTYH-associated polyposis. Identifiers: Orphanet 220460, Orphanet 247798, MedGen C3272841, MONDO:0012041, OMIM 608456.

Submission:

Labcorp Genetics (formerly Invitae), Labcorp
Classification: Pathogenic for Familial adenomatous polyposis 2. Last evaluated: 2025-03-07. Review status: criteria provided, single submitter. Criteria: Invitae Variant Classification Sherloc (09022015). Collection method: clinical testing. Allele origin: germline.
Comment: This sequence change results in a frameshift in the MUTYH gene (p.Arg523Alafs*48). While this is not anticipated to result in nonsense mediated decay, it is expected to disrupt the last 27 amino acid(s) of the MUTYH protein and extend the protein by 20 additional amino acid residues. This variant is not present in population databases (gnomAD no frequency). This variant has not been reported in the literature in individuals affected with MUTYH-related conditions. This variant disrupts a region of the MUTYH protein in which other variant(s) (p.Ala547Glufs*24) have been determined to be pathogenic (PMID: 34704405). This suggests that this is a clinically significant region of the protein, and that variants that disrupt it are likely to be disease-causing. For these reasons, this variant has been classified as Pathogenic.

Literature cited by the submitters: PubMed 34704405.

NM_001048174.2(MUTYH):c.1483del (p.Arg495fs)

Gene: MUTYH (mutY DNA glycosylase; minus strand). Cytogenetic location: 1p34.1.
Variant type: Deletion.
Coding change: c.1483del on transcript NM_001048174.2 (MANE Select); coding-DNA position 1483, one base deleted (C; older notation c.1483delC).
Protein change: p.Arg495fs; shifts the reading frame from arginine 495.
Molecular consequence: frameshift variant. On other transcripts: non-coding transcript variant (7).
Genome position (GRCh38, 1-based): chr1:45,329,389, G deleted on the plus strand (C on the coding strand, the reverse complement: MUTYH is on the minus strand); the first of 4 consecutive G bases (chr1:45,329,389-45,329,392); deleting any one gives the same sequence. VCF-style (leftmost placement, unchanged base first): chr1-45329388-CG-C. GRCh37 (hg19) VCF-style: chr1-45795060-CG-C.
Other names: c.1516del, p.Arg506fs (NM_001293191.2, NM_001407069.1, NM_001407077.1); c.1207del, p.Arg403fs (NM_001293192.2, NM_001293196.2, NM_001407091.1); c.1483del, p.Arg495fs (NM_001293195.2, NM_001407070.1, NM_001407072.1 and 6 more transcripts); c.1138del, p.Arg380fs (NM_001350650.2, NM_001350651.2, NM_001407082.1); c.1486del, p.Arg496fs (NM_001407071.1, NM_001407078.1, NM_001407086.1 and 1 more transcripts); c.1399del, p.Arg467fs (NM_001407075.1); c.1444del, p.Arg482fs (NM_001407079.1); c.1441del, p.Arg481fs (NM_001407080.1); and 5 more; short protein forms R510fs, R520fs, R380fs, R481fs, R502fs, R403fs, R467fs, R482fs.
Identifiers: ClinVar variation 3648776 (VCV003648776.2).